The following is an entry in ClinVar:

ClinVar aggregate classification (germline): Uncertain significance (1 of 4 stars; one submission).

Submission:

CeGaT Center for Human Genetics Tuebingen
Classification: Uncertain significance. Last evaluated: 2022-05-01. Review status: criteria provided, single submitter. Criteria: CeGaT Center For Human Genetics Tuebingen Variant Classification Criteria Version 2. Collection method: clinical testing. Allele origin: germline. Affected: yes. Observed: 1 variant allele.
Comment: ITGB4: PM2, BP4

NM_000213.5(ITGB4):c.1386G>T (p.Glu462Asp)

Gene: ITGB4 (integrin subunit beta 4; plus strand). Cytogenetic location: 17q25.1.
Variant type: single nucleotide variant.
Coding change: c.1386G>T on transcript NM_000213.5 (MANE Select); coding-DNA position 1386, G replaced by T.
Protein change: p.Glu462Asp; replaces glutamic acid 462 with aspartic acid.
Molecular consequence: missense variant.
Genome position (GRCh38, 1-based): chr17:75,732,171, G>T. VCF-style: chr17-75732171-G-T. GRCh37 (hg19) VCF-style: chr17-73728252-G-T.
Other names: c.1386G>T, p.Glu462Asp (NM_001005619.2, NM_001005731.3, NM_001321123.2); short protein forms E462D.
Identifiers: ClinVar variation 2648279 (VCV002648279.24), dbSNP rs1349019088, ClinGen allele CA401048247.